The following is an entry in ClinVar:

NM_004260.4(RECQL4):c.1804G>T (p.Ala602Ser)

Gene: RECQL4 (RecQ like helicase 4; minus strand). Cytogenetic location: 8q24.3.
Variant type: single nucleotide variant.
Coding change: c.1804G>T on transcript NM_004260.4 (MANE Select); coding-DNA position 1804, G replaced by T.
Protein change: p.Ala602Ser; replaces alanine 602 with serine.
Molecular consequence: missense variant.
Genome position (GRCh38, 1-based): chr8:144,514,263, C>A on the plus strand (G>T on the coding strand, the complement: RECQL4 is on the minus strand). VCF-style: chr8-144514263-C-A. GRCh37 (hg19) VCF-style: chr8-145739647-C-A.
Other names: short protein forms A602S.
Identifiers: ClinVar variation 840190 (VCV000840190.6), dbSNP rs1827825605, ClinGen allele CA372680874.
Genomic context (GRCh38, chr8:144,514,263, plus strand): 5'-GGTAGCAGGGCCGGAAGTTGTGGGACCACTGGGAGAGGCAGTGGGCCTCATCAATGCAGG[C>A]AAAAGCAACTGGAGGCAGCTGTGCGGCTGGAGGGAGGCCTCCCGCCCCCACCAGTGCCTC-3'
Protein context (NP_004251.4, residues 592-612): PAAQLPPVAF[Ala602Ser]CIDEAHCLSQ

ClinVar aggregate classification (germline): Uncertain significance. Review status: criteria provided, multiple submitters, no conflicts (2 of 4 stars). 2 submissions from 2 submitters: Uncertain significance (2). Last evaluated 2025-12-15.

Conditions:
Inborn genetic diseases. Identifiers: MedGen C0950123, MeSH D030342.
Baller-Gerold syndrome (BGS). Also called: CRANIOSYNOSTOSIS WITH RADIAL DEFECTS. Identifiers: Orphanet 1225, MedGen C0265308, MONDO:0009039, OMIM 218600.

Submissions (2):

Ambry Genetics
Classification: Uncertain significance for Inborn genetic diseases. Last evaluated: 2025-12-15. Review status: criteria provided, single submitter. Criteria: Ambry Variant Classification Scheme 2023. Collection method: clinical testing. Allele origin: germline.
Comment: The p.A602S variant (also known as c.1804G>T), located in coding exon 11 of the RECQL4 gene, results from a G to T substitution at nucleotide position 1804. The alanine at codon 602 is replaced by serine, an amino acid with similar properties. This amino acid position is conserved. In addition, the in silico prediction for this alteration is inconclusive. Based on the available evidence, the clinical significance of this variant remains unclear.

Labcorp Genetics (formerly Invitae), Labcorp
Classification: Uncertain significance for Baller-Gerold syndrome. Last evaluated: 2019-06-02. Review status: criteria provided, single submitter. Criteria: Invitae Variant Classification Sherloc (09022015). Collection method: clinical testing. Allele origin: germline.
Comment: This sequence change replaces alanine with serine at codon 602 of the RECQL4 protein (p.Ala602Ser). The alanine residue is highly conserved and there is a moderate physicochemical difference between alanine and serine. This variant is not present in population databases (ExAC no frequency). In summary, the available evidence is currently insufficient to determine the role of this variant in disease. Therefore, it has been classified as a Variant of Uncertain Significance. Algorithms developed to predict the effect of missense changes on protein structure and function are either unavailable or do not agree on the potential impact of this missense change (SIFT: "Deleterious"; PolyPhen-2: "Not Available"; Align-GVGD: "Class C15"). This variant has not been reported in the literature in individuals with RECQL4-related conditions.